The following is an entry in ClinVar:

NM_000441.2(SLC26A4):c.765T>G (p.Tyr255Ter)

Gene: SLC26A4 (solute carrier family 26 member 4; plus strand). Cytogenetic location: 7q22.3.
Variant type: single nucleotide variant.
Coding change: c.765T>G on transcript NM_000441.2 (MANE Select); coding-DNA position 765, T replaced by G.
Protein change: p.Tyr255Ter; replaces tyrosine 255 with a stop codon.
Molecular consequence: nonsense.
Genome position (GRCh38, 1-based): chr7:107,675,109, T>G. VCF-style: chr7-107675109-T-G. GRCh37 (hg19) VCF-style: chr7-107315554-T-G.
Other names: short protein forms Y255*.
Identifiers: ClinVar variation 4818376 (VCV004818376.1).

ClinVar aggregate classification (germline): Likely pathogenic (1 of 4 stars; one submission).

Conditions:
Pendred syndrome (PDS). Also called: THYROID DYSHORMONOGENESIS 2B; THYROID HORMONOGENESIS, GENETIC DEFECT IN, 2B; Pendred Syndrome (PDS); DEAFNESS WITH GOITER; GOITER-DEAFNESS SYNDROME; HYPOTHYROIDISM, CONGENITAL, DUE TO DYSHORMONOGENESIS, 2B. Identifiers: Orphanet 705, MedGen C0271829, MONDO:0010134, OMIM 274600.

gnomAD v4.1: 1 of 1,612,846 alleles (0.000062%); highest among the groups gnomAD compares: South Asian, 0.0011%; no homozygotes.

Submission:

Natera, Inc.
Classification: Likely pathogenic for Pendred syndrome. Last evaluated: 2025-11-09. Review status: criteria provided, single submitter. Criteria: Natera Variant Classification Schema (03/2026). Collection method: clinical testing. Allele origin: germline.
Comment: The c.765T>G variant in SLC26A4 is a nonsense variant predicted to introduce a stop codon at amino acid 255. This variant is expected to result in nonsense mediated decay, truncation, or a dysfunctional protein product. This variant is rare in the general population with a frequency below the threshold expected for the associated phenotype(s). Given the available evidence, this variant is classified as Likely Pathogenic.